The following is an entry in ClinVar:

NM_003024.3(ITSN1):c.3241G>T (p.Val1081Phe)

Gene: ITSN1 (intersectin 1; plus strand). Cytogenetic location: 21q22.11.
Variant type: single nucleotide variant.
Coding change: c.3241G>T on transcript NM_003024.3 (MANE Select); coding-DNA position 3241, G replaced by T.
Protein change: p.Val1081Phe; replaces valine 1081 with phenylalanine.
Molecular consequence: missense variant.
Genome position (GRCh38, 1-based): chr21:33,829,635, G>T. VCF-style: chr21-33829635-G-T. GRCh37 (hg19) VCF-style: chr21-35201939-G-T.
Other names: c.3241G>T, p.Val1081Phe (NM_001001132.2); c.3028G>T, p.Val1010Phe (NM_001331008.2); c.3226G>T, p.Val1076Phe (NM_001331009.2, NM_001331010.2); c.3013G>T, p.Val1005Phe (NM_001331011.2); c.3115G>T, p.Val1039Phe (NM_001331012.2); short protein forms V1005F, V1010F, V1039F, V1076F, V1081F.
Identifiers: ClinVar variation 4975802 (VCV004975802.1).

ClinVar aggregate classification (germline): Uncertain significance (1 of 4 stars; one submission).

Submission:

GeneDx
Classification: Uncertain significance. Last evaluated: 2026-02-02. Review status: criteria provided, single submitter. Criteria: GeneDx Variant Classification Process June 2021. Collection method: clinical testing. Allele origin: germline.
Comment: Not observed at significant frequency in large population cohorts (gnomAD); In silico analysis supports that this missense variant has a deleterious effect on protein structure/function; Has not been previously published as pathogenic or benign to our knowledge